The following is an entry in ClinVar:

NM_001025603.2(RFX5):c.716G>A (p.Arg239Gln)

Gene: RFX5 (regulatory factor X5; minus strand). Cytogenetic location: 1q21.3.
Variant type: single nucleotide variant.
Coding change: c.716G>A on transcript NM_001025603.2 (MANE Select); coding-DNA position 716, G replaced by A.
Protein change: p.Arg239Gln; replaces arginine 239 with glutamine.
Molecular consequence: missense variant.
Genome position (GRCh38, 1-based): chr1:151,343,722, C>T on the plus strand (G>A on the coding strand, the complement: RFX5 is on the minus strand). VCF-style: chr1-151343722-C-T. GRCh37 (hg19) VCF-style: chr1-151316198-C-T.
Other names: c.716G>A, p.Arg239Gln (NM_000449.4, NM_001379412.1, NM_001379413.1 and 5 more transcripts); c.596G>A, p.Arg199Gln (NM_001379419.1, NM_001379420.1); c.716G>A (NM_000449.3); short protein forms R199Q, R239Q.
Identifiers: ClinVar variation 1440565 (VCV001440565.7), dbSNP rs563701437, ClinGen allele CA1089774.

ClinVar aggregate classification (germline): Uncertain significance. Review status: criteria provided, multiple submitters, no conflicts (2 of 4 stars). 2 submissions from 2 submitters: Uncertain significance (2). Last evaluated 2025-01-16.

Conditions:
MHC class II deficiency. Also called: BLS, TYPE II; Bare lymphocyte syndrome 2. Identifiers: Orphanet 572, MedGen C5447452, MONDO:0008855.

Allele frequency attached by ClinVar (database versions not stated): 1000 Genomes Project 30x 0.00016; 1000 Genomes Project 0.00020; TOPMed 0.00001; ExAC 0.00004; gnomAD 0.00004; gnomAD exomes 0.00004.

Submissions (2):

Ambry Genetics
Classification: Uncertain significance. Last evaluated: 2025-01-16. Review status: criteria provided, single submitter. Criteria: Ambry Variant Classification Scheme 2023. Collection method: clinical testing. Allele origin: germline.

Labcorp Genetics (formerly Invitae), Labcorp
Classification: Uncertain significance for MHC class II deficiency. Last evaluated: 2022-06-20. Review status: criteria provided, single submitter. Criteria: Invitae Variant Classification Sherloc (09022015). Collection method: clinical testing. Allele origin: germline.
Comment: This sequence change replaces arginine, which is basic and polar, with glutamine, which is neutral and polar, at codon 239 of the RFX5 protein (p.Arg239Gln). This variant is present in population databases (rs563701437, gnomAD 0.02%). This variant has not been reported in the literature in individuals affected with RFX5-related conditions. Algorithms developed to predict the effect of missense changes on protein structure and function are either unavailable or do not agree on the potential impact of this missense change (SIFT: "Tolerated"; PolyPhen-2: "Probably Damaging"; Align-GVGD: "Class C0"). In summary, the available evidence is currently insufficient to determine the role of this variant in disease. Therefore, it has been classified as a Variant of Uncertain Significance.